The following is an entry in ClinVar:

ClinVar aggregate classification (germline): Pathogenic (1 of 4 stars; one submission).

Submission:

Labcorp Genetics (formerly Invitae), Labcorp
Classification: Pathogenic. Last evaluated: 2022-03-01. Review status: criteria provided, single submitter. Criteria: Invitae Variant Classification Sherloc (09022015). Collection method: clinical testing. Allele origin: germline.
Comment: For these reasons, this variant has been classified as Pathogenic. This variant has not been reported in the literature in individuals affected with MCM3AP-related conditions. This variant is not present in population databases (gnomAD no frequency). This sequence change creates a premature translational stop signal (p.Tyr864*) in the MCM3AP gene. It is expected to result in an absent or disrupted protein product. Loss-of-function variants in MCM3AP are known to be pathogenic (PMID: 28633435).

Literature cited by the submitters: PubMed 28633435.

NM_003906.5(MCM3AP):c.2592C>G (p.Tyr864Ter)

Gene: MCM3AP (minichromosome maintenance complex component 3 associated protein; minus strand). Cytogenetic location: 21q22.3.
Variant type: single nucleotide variant.
Coding change: c.2592C>G on transcript NM_003906.5 (MANE Select); coding-DNA position 2592, C replaced by G.
Protein change: p.Tyr864Ter; replaces tyrosine 864 with a stop codon.
Molecular consequence: nonsense.
Genome position (GRCh38, 1-based): chr21:46,270,437, G>C on the plus strand (C>G on the coding strand, the complement: MCM3AP is on the minus strand). VCF-style: chr21-46270437-G-C. GRCh37 (hg19) VCF-style: chr21-47690351-G-C.
Other names: short protein forms Y864*.
Identifiers: ClinVar variation 1437387 (VCV001437387.6), dbSNP rs2145689814, ClinGen allele CA410565738.
Genomic context (GRCh38, chr21:46,270,437, plus strand): 5'-TGCAAGCACAGCTCATTTACTCACCTGACTGAAGTAACAGTGTAAAAGACAAGCGTTCAG[G>C]TAAGAAGCTGACTGGACCAGTTTGAAAAATCTCACAAAATTATTACTGTTCAATGCAGCA-3'